The following is an entry in ClinVar:

ClinVar aggregate classification (germline): Likely benign. Review status: criteria provided, multiple submitters, no conflicts (2 of 4 stars). 2 submissions from 2 submitters: Likely benign (2). Last evaluated 2026-08-01.

Allele frequency attached by ClinVar (database versions not stated): gnomAD 0.00002; gnomAD exomes 0.00003; ExAC 0.00005.
gnomAD v4.1: 32 of 1,171,246 alleles (0.0027%); highest among the groups gnomAD compares: Middle Eastern, 0.024%; no homozygotes.

Submissions (2):

CeGaT Center for Human Genetics Tuebingen
Classification: Likely benign. Last evaluated: 2026-08-01. Review status: criteria provided, single submitter. Criteria: CeGaT Center For Human Genetics Tuebingen Variant Classification Criteria Version 2. Collection method: clinical testing. Allele origin: germline. Affected: yes. Observed: 4 variant alleles.
Comment: MAGEC1: BP4, BS2

Ambry Genetics
Classification: Likely benign. Last evaluated: 2023-10-13. Review status: criteria provided, single submitter. Criteria: Ambry Variant Classification Scheme 2023. Collection method: clinical testing. Allele origin: germline.

NM_005462.5(MAGEC1):c.1081G>A (p.Ala361Thr)

Gene: MAGEC1 (MAGE family member C1; plus strand). Cytogenetic location: Xq27.2.
Variant type: single nucleotide variant.
Coding change: c.1081G>A on transcript NM_005462.5 (MANE Select); coding-DNA position 1081, G replaced by A.
Protein change: p.Ala361Thr; replaces alanine 361 with threonine.
Molecular consequence: missense variant.
Genome position (GRCh38, 1-based): chrX:141,906,485, G>A. VCF-style: chrX-141906485-G-A. GRCh37 (hg19) VCF-style: chrX-140994271-G-A.
Other names: short protein forms A361T.
Identifiers: ClinVar variation 3122129 (VCV003122129.11), dbSNP rs762022183, ClinGen allele CA10533529.
Genomic context (GRCh38, chrX:141,906,485, plus strand): 5'-CCTATGACCTCCTCCTTCTCCTCTACTTTATTGAGTATTTTCCAGAGTTCTCCTGAGAGT[G>A]CTCAAAGTACTTTTGAGGGTTTTCCCCAGTCTCCTCTCCAGATTCCTGGGAGCCCCTCCT-3'
Protein context (NP_005453.2, residues 351-371): LSIFQSSPES[Ala361Thr]QSTFEGFPQS